The following is an entry in ClinVar:

ClinVar aggregate classification (germline): Uncertain significance. Review status: criteria provided, multiple submitters, no conflicts (2 of 4 stars). 5 submissions from 4 submitters: Uncertain significance (5). Last evaluated 2025-11-02.

Conditions:
Inborn genetic diseases. Identifiers: MedGen C0950123, MeSH D030342.
Dilated cardiomyopathy 1L (CMD1L). Identifiers: Orphanet 154, MedGen C1847667, MONDO:0011702, OMIM 606685.
Autosomal recessive limb-girdle muscular dystrophy type 2F (LGMDR6). Also called: MUSCULAR DYSTROPHY, LIMB-GIRDLE, AUTOSOMAL RECESSIVE 6; Muscular dystrophy limb-girdle with delta-sarcoglyan deficiency. Identifiers: Orphanet 219, MedGen C1832525, MONDO:0011028, OMIM 601287. Disease mechanism: Affects gamma-sarcoglycan and also disrupts the integrity of the entire sarcoglycan complex..

Allele frequency attached by ClinVar (database versions not stated): gnomAD exomes below 0.00001; gnomAD 0.00001; TOPMed 0.00002; ESP Exome Variant Server 0.00008.
gnomAD v4.1: 8 of 1,611,644 alleles (0.0005%); highest among the groups gnomAD compares: African/African-American, 0.0027%; no homozygotes.

Submissions (5):

Ambry Genetics
Classification: Uncertain significance for Inborn genetic diseases. Last evaluated: 2025-11-02. Review status: criteria provided, single submitter. Criteria: Ambry Variant Classification Scheme 2023. Collection method: clinical testing. Allele origin: germline.
Comment: The p.V159I variant (also known as c.475G>A), located in coding exon 5 of the SGCD gene, results from a G to A substitution at nucleotide position 475. The valine at codon 159 is replaced by isoleucine, an amino acid with highly similar properties. This amino acid position is conserved. In addition, the in silico prediction for this alteration is inconclusive. Based on the available evidence, the clinical significance of this variant remains unclear.

Genome-Nilou Lab
Classification: Uncertain significance for Autosomal recessive limb-girdle muscular dystrophy type 2F. Last evaluated: 2023-02-08. Review status: criteria provided, single submitter. Criteria: ACMG Guidelines, 2015. Collection method: clinical testing. Allele origin: germline.

Genome-Nilou Lab
Classification: Uncertain significance for Dilated cardiomyopathy 1L. Last evaluated: 2023-02-08. Review status: criteria provided, single submitter. Criteria: ACMG Guidelines, 2015. Collection method: clinical testing. Allele origin: germline.

Labcorp Genetics (formerly Invitae), Labcorp
Classification: Uncertain significance for Autosomal recessive limb-girdle muscular dystrophy type 2F. Last evaluated: 2022-04-15. Review status: criteria provided, single submitter. Criteria: Invitae Variant Classification Sherloc (09022015). Collection method: clinical testing. Allele origin: germline.
Comment: This sequence change replaces valine, which is neutral and non-polar, with isoleucine, which is neutral and non-polar, at codon 159 of the SGCD protein (p.Val159Ile). This variant is present in population databases (rs370327314, gnomAD 0.007%). This variant has not been reported in the literature in individuals affected with SGCD-related conditions. ClinVar contains an entry for this variant (Variation ID: 352334). Algorithms developed to predict the effect of missense changes on protein structure and function (SIFT, PolyPhen-2, Align-GVGD) all suggest that this variant is likely to be tolerated. In summary, the available evidence is currently insufficient to determine the role of this variant in disease. Therefore, it has been classified as a Variant of Uncertain Significance.

Fulgent Genetics
Classification: Uncertain significance for Autosomal recessive limb-girdle muscular dystrophy type 2F; Dilated cardiomyopathy 1L. Last evaluated: 2021-07-30. Review status: criteria provided, single submitter. Criteria: ACMG Guidelines, 2015. Collection method: clinical testing. Allele origin: unknown.

NM_000337.6(SGCD):c.475G>A (p.Val159Ile)

Gene: SGCD (sarcoglycan delta; plus strand). Cytogenetic location: 5q33.3.
Variant type: single nucleotide variant.
Coding change: c.475G>A on transcript NM_000337.6 (MANE Select); coding-DNA position 475, G replaced by A.
Protein change: p.Val159Ile; replaces valine 159 with isoleucine.
Molecular consequence: missense variant.
Genome position (GRCh38, 1-based): chr5:156,595,024, G>A. VCF-style: chr5-156595024-G-A. GRCh37 (hg19) VCF-style: chr5-156022034-G-A.
Other names: c.472G>A, p.Val158Ile (NM_001128209.2); c.475G>A, p.Val159Ile (NM_172244.3); short protein forms V159I, V158I.
Identifiers: ClinVar variation 352334 (VCV000352334.13), dbSNP rs370327314, ClinGen allele CA10623665.